The following is an entry in ClinVar:

NM_000343.4(SLC5A1):c.598_600del (p.Val200del)

Gene: SLC5A1 (solute carrier family 5 member 1; plus strand). Cytogenetic location: 22q12.3.
Variant type: Deletion.
Coding change: c.598_600del on transcript NM_000343.4 (MANE Select); coding-DNA positions 598 to 600, 3 bases deleted (GTG; older notation c.598_600delGTG).
Protein change: p.Val200del; deletes valine 200.
Molecular consequence: inframe deletion.
Genome position (GRCh38, 1-based): chr22:32,083,088-32,083,090, GTG deleted; deleting any 3 consecutive bases within chr22:32,083,087-32,083,090 gives the same sequence; the c. name uses the placement nearest the transcript's 3' end. VCF-style (leftmost placement, unchanged base first): chr22-32083086-CGGT-C. GRCh37 (hg19) VCF-style: chr22-32479073-CGGT-C.
Other names: c.217_219del, p.Val73del (NM_001256314.2); short protein forms V200del, V73del.
Identifiers: ClinVar variation 4086366 (VCV004086366.1).

ClinVar aggregate classification (germline): Uncertain significance (1 of 4 stars; one submission).

Submission:

GeneDx
Classification: Uncertain significance. Last evaluated: 2025-03-19. Review status: criteria provided, single submitter. Criteria: GeneDx Variant Classification Process June 2021. Collection method: clinical testing. Allele origin: germline. Affected: yes.
Comment: Not observed at significant frequency in large population cohorts (gnomAD); In-frame deletion of 1 amino acid(s) in a non-repeat region; In silico analysis supports a deleterious effect on protein structure/function; Has not been previously published as pathogenic or benign to our knowledge